The following is an entry in ClinVar:

ClinVar aggregate classification (germline): Likely pathogenic (1 of 4 stars; one submission).

Conditions:
Intellectual disability, autosomal dominant 14 (CSS2). Also called: COFFIN-SIRIS SYNDROME 2. Identifiers: Orphanet 1465, MedGen C3553247, MONDO:0013819, OMIM 614607.

Submission:

Juno Genomics, Hangzhou Juno Genomics, Inc
Classification: Likely pathogenic for Intellectual disability, autosomal dominant 14. Review status: criteria provided, single submitter. Criteria: ACMG Guidelines, 2015. Collection method: clinical testing. Allele origin: germline. Affected: yes.
Comment: Absent from controls (or at extremely low frequency if recessive) in Genome Aggregation Database, Exome Sequencing Project, 1000 Genomes Project, or Exome Aggregation Consortium.;Null variant in a gene where loss of function (LOF) is a known mechanism of disease.;De novo (both maternity and paternity confirmed) in a patient with the disease and no family history.

NM_006015.6(ARID1A):c.5121_5124del (p.Gln1708fs)

Gene: ARID1A (AT-rich interaction domain 1A; plus strand). Cytogenetic location: 1p36.11.
Variant type: Microsatellite.
Coding change: c.5121_5124del on transcript NM_006015.6 (MANE Select); coding-DNA positions 5121 to 5124, 4 bases deleted (TCAG; older notation c.5121_5124delTCAG).
Protein change: p.Gln1708fs; shifts the reading frame from glutamine 1708.
Molecular consequence: frameshift variant.
Genome position (GRCh38, 1-based): chr1:26,775,704-26,775,707, TCAG deleted; deleting any 4 consecutive bases within chr1:26,775,700-26,775,707 gives the same sequence; the c. name uses the placement nearest the transcript's 3' end. VCF-style (leftmost placement, unchanged base first): chr1-26775699-CTCAG-C. GRCh37 (hg19) VCF-style: chr1-27102190-CTCAG-C.
Other names: c.4470_4473del, p.Gln1491fs (NM_139135.4); short protein forms Q1491fs, Q1708fs.
Identifiers: ClinVar variation 3382747 (VCV003382747.2).